The following is an entry in ClinVar:

NM_004252.5(NHERF1):c.366G>C (p.Pro122=)

Genes: NHERF1 (NHERF family PDZ scaffold protein 1; plus strand), SLC9A3R1-AS1 (SLC9A3R1 antisense RNA 1; minus strand). Cytogenetic location: 17q25.1.
Variant type: single nucleotide variant.
Coding change: c.366G>C on transcript NM_004252.5 (MANE Select); coding-DNA position 366, G replaced by C.
Protein change: p.Pro122=; no amino-acid change (proline 122 retained).
Molecular consequence: synonymous variant. On other transcripts: non-coding transcript variant (1).
Genome position (GRCh38, 1-based): chr17:74,749,212, G>C. VCF-style: chr17-74749212-G-C. GRCh37 (hg19) VCF-style: chr17-72745351-G-C.
Identifiers: ClinVar variation 2648231 (VCV002648231.24), dbSNP rs1255993181, ClinGen allele CA502033228.

ClinVar aggregate classification (germline): Likely benign (1 of 4 stars; one submission).

Allele frequency attached by ClinVar (database versions not stated): TOPMed 0.00001; gnomAD 0.00003.
gnomAD v4.1: 19 of 1,524,354 alleles (0.0012%); highest among the groups gnomAD compares: Non-Finnish European, 0.0017%; no homozygotes.

Submission:

CeGaT Center for Human Genetics Tuebingen
Classification: Likely benign. Last evaluated: 2023-02-01. Review status: criteria provided, single submitter. Criteria: CeGaT Center For Human Genetics Tuebingen Variant Classification Criteria Version 2. Collection method: clinical testing. Allele origin: germline. Affected: yes. Observed: 2 variant alleles.
Comment: NHERF1: BP4, BP7